The following is an entry in ClinVar:

ClinVar aggregate classification (germline): Benign. Review status: criteria provided, multiple submitters, no conflicts (2 of 4 stars). 10 submissions from 6 submitters: Benign (10). Last evaluated 2026-02-02.

Conditions:
Senior-Loken syndrome 8 (SLSN8). Identifiers: Orphanet 3156, MedGen C4225376, MONDO:0014579, OMIM 616307.
Asphyxiating thoracic dystrophy 5 (SRTD5). Also called: SHORT-RIB THORACIC DYSPLASIA 5 WITHOUT POLYDACTYLY; SHORT-RIB THORACIC DYSPLASIA 5 WITH OR WITHOUT POLYDACTYLY. Identifiers: Orphanet 474, MedGen C3280598, MONDO:0013717, OMIM 614376.
Nephronophthisis 13 (NPHP13). Identifiers: Orphanet 655, MedGen C3280612, MONDO:0013718, OMIM 614377.
Cranioectodermal dysplasia 4 (CED4). Identifiers: Orphanet 1515, MedGen C3280616, MONDO:0013719, OMIM 614378.

Allele frequency attached by ClinVar (database versions not stated): gnomAD exomes 0.00078 and 0.00196; ExAC 0.00248; ESP Exome Variant Server 0.00737; gnomAD 0.00821 and 0.00883; TOPMed 0.00862; 1000 Genomes Project 0.00899; 1000 Genomes Project 30x 0.00937.

Submissions (10):

Labcorp Genetics (formerly Invitae), Labcorp
Classification: Benign for Senior-Loken syndrome 8; Asphyxiating thoracic dystrophy 5. Last evaluated: 2026-02-02. Review status: criteria provided, single submitter. Criteria: Invitae Variant Classification Sherloc (09022015). Collection method: clinical testing. Allele origin: germline.

ARUP Laboratories, Molecular Genetics and Genomics, ARUP Laboratories
Classification: Benign. Last evaluated: 2024-09-30. Review status: criteria provided, single submitter. Criteria: ARUP Molecular Germline Variant Investigation Process 2024. Collection method: clinical testing. Allele origin: germline.

Mayo Clinic Laboratories, Mayo Clinic
Classification: Benign. Last evaluated: 2023-06-12. Review status: criteria provided, single submitter. Criteria: ACMG Guidelines, 2015. Collection method: clinical testing. Allele origin: germline. Observed: 4 variant alleles.
Comment: BS1, BS2

Genome-Nilou Lab
Classification: Benign for Cranioectodermal dysplasia 4. Last evaluated: 2021-12-05. Review status: criteria provided, single submitter. Criteria: ACMG Guidelines, 2015. Collection method: clinical testing. Allele origin: germline. Affected: no.

Genome-Nilou Lab
Classification: Benign for Nephronophthisis 13. Last evaluated: 2021-12-05. Review status: criteria provided, single submitter. Criteria: ACMG Guidelines, 2015. Collection method: clinical testing. Allele origin: germline. Affected: no.

Genome-Nilou Lab
Classification: Benign for Senior-Loken syndrome 8. Last evaluated: 2021-12-05. Review status: criteria provided, single submitter. Criteria: ACMG Guidelines, 2015. Collection method: clinical testing. Allele origin: germline. Affected: no.

Genome-Nilou Lab
Classification: Benign for Asphyxiating thoracic dystrophy 5. Last evaluated: 2021-12-05. Review status: criteria provided, single submitter. Criteria: ACMG Guidelines, 2015. Collection method: clinical testing. Allele origin: germline. Affected: no.

Illumina Laboratory Services, Illumina
Classification: Benign for Asphyxiating thoracic dystrophy 5. Last evaluated: 2018-01-12. Review status: criteria provided, single submitter. Criteria: ICSL Variant Classification Criteria 13 December 2019. Collection method: clinical testing. Allele origin: germline.
Comment: This variant was observed in the ICSL laboratory as part of a predisposition screen in an ostensibly healthy population. It had not been previously curated by ICSL or reported in the Human Gene Mutation Database (HGMD: prior to June 1st, 2018), and was therefore a candidate for classification through an automated scoring system. Utilizing variant allele frequency, disease prevalence and penetrance estimates, and inheritance mode, an automated score was calculated to assess if this variant is too frequent to cause the disease. Based on the score and internal cut-off values, a variant classified as benign is not then subjected to further curation. The score for this variant resulted in a classification of benign for this disease.

Illumina Laboratory Services, Illumina
Classification: Benign for Cranioectodermal dysplasia 4. Last evaluated: 2018-01-12. Review status: criteria provided, single submitter. Criteria: ICSL Variant Classification Criteria 13 December 2019. Collection method: clinical testing. Allele origin: germline.
Comment: the same text as in the submission from Illumina Laboratory Services, Illumina above.

Breakthrough Genomics
Classification: Benign. Review status: criteria provided, single submitter. Criteria: ACMG Guidelines, 2015. Collection method: not provided. Allele origin: germline. Inheritance: Autosomal recessive inheritance. Affected: yes.

NM_025132.4(WDR19):c.2096G>A (p.Arg699Gln)

Gene: WDR19 (WD repeat domain 19; plus strand). Cytogenetic location: 4p14.
Variant type: single nucleotide variant.
Coding change: c.2096G>A on transcript NM_025132.4 (MANE Select); coding-DNA position 2096, G replaced by A.
Protein change: p.Arg699Gln; replaces arginine 699 with glutamine.
Molecular consequence: missense variant.
Genome position (GRCh38, 1-based): chr4:39,231,910, G>A. VCF-style: chr4-39231910-G-A. GRCh37 (hg19) VCF-style: chr4-39233530-G-A.
Other names: p.Arg699Gln; c.1616G>A, p.Arg539Gln (NM_001317924.2); short protein forms R699Q, R539Q.
Identifiers: ClinVar variation 476155 (VCV000476155.28), dbSNP rs138529452, ClinGen allele CA2892006.